The following is an entry in ClinVar:

NM_001457.4(FLNB):c.1999G>A (p.Glu667Lys)

Gene: FLNB (filamin B; plus strand). Cytogenetic location: 3p14.3.
Variant type: single nucleotide variant.
Coding change: c.1999G>A on transcript NM_001457.4 (MANE Select); coding-DNA position 1999, G replaced by A.
Protein change: p.Glu667Lys; replaces glutamic acid 667 with lysine.
Molecular consequence: missense variant.
Genome position (GRCh38, 1-based): chr3:58,108,515, G>A. VCF-style: chr3-58108515-G-A. GRCh37 (hg19) VCF-style: chr3-58094242-G-A.
Other names: c.1999G>A, p.Glu667Lys (NM_001164317.2, NM_001164318.2, NM_001164319.2); short protein forms E667K.
Identifiers: ClinVar variation 2740062 (VCV002740062.3), dbSNP rs768307189, ClinGen allele CA2467994.
Genomic context (GRCh38, chr3:58,108,515, plus strand): 5'-CAGGTTCGAGCATACGGGCCAGGTTTGGAGAAATCTGGATGCATTGTCAACAACCTGGCC[G>A]AGTTCACTGTGGATCCTAAGGATGCTGGAAAAGCTCCCTTAAAGATATTTGCTCAGGTAA-3'
Protein context (NP_001448.2, residues 657-677): KSGCIVNNLA[Glu667Lys]FTVDPKDAGK

ClinVar aggregate classification (germline): Uncertain significance (1 of 4 stars; one submission).

Allele frequency attached by ClinVar (database versions not stated): gnomAD 0.00001; ExAC 0.00002; TOPMed 0.00001.
gnomAD v4.1: 30 of 1,614,036 alleles (0.0019%); highest among the groups gnomAD compares: Middle Eastern, 0.066%; 1 homozygote.

Submission:

Labcorp Genetics (formerly Invitae), Labcorp
Classification: Uncertain significance. Last evaluated: 2026-01-07. Review status: criteria provided, single submitter. Criteria: Invitae Variant Classification Sherloc (09022015). Collection method: clinical testing. Allele origin: germline.
Comment: This sequence change replaces glutamic acid, which is acidic and polar, with lysine, which is basic and polar, at codon 667 of the FLNB protein (p.Glu667Lys). This variant is present in population databases (rs768307189, gnomAD 0.003%). This variant has not been reported in the literature in individuals affected with FLNB-related conditions. ClinVar contains an entry for this variant (Variation ID: 2740062). Invitae Evidence Modeling of protein sequence and biophysical properties (such as structural, functional, and spatial information, amino acid conservation, physicochemical variation, residue mobility, and thermodynamic stability) indicates that this missense variant is not expected to disrupt FLNB protein function with a negative predictive value of 95%. In summary, the available evidence is currently insufficient to determine the role of this variant in disease. Therefore, it has been classified as a Variant of Uncertain Significance.